The following is an entry in ClinVar:

NM_031935.3(HMCN1):c.11447T>A (p.Ile3816Lys)

Gene: HMCN1 (hemicentin 1; plus strand). Cytogenetic location: 1q31.1.
Variant type: single nucleotide variant.
Coding change: c.11447T>A on transcript NM_031935.3 (MANE Select); coding-DNA position 11447, T replaced by A.
Protein change: p.Ile3816Lys; replaces isoleucine 3816 with lysine.
Molecular consequence: missense variant.
Genome position (GRCh38, 1-based): chr1:186,115,300, T>A. VCF-style: chr1-186115300-T-A. GRCh37 (hg19) VCF-style: chr1-186084432-T-A.
Other names: short protein forms I3816K.
Identifiers: ClinVar variation 1386558 (VCV001386558.6), dbSNP rs748176085, ClinGen allele CA343943481.
Genomic context (GRCh38, chr1:186,115,300, plus strand): 5'-TTGGTGACATTGTCTTAGTTCCTCCATCTATTGCTCCGGGTCCTACCAACATGACTGTAA[T>A]AGTAAATGTTCAAACTACTCTGGCTTGTGAGGCTACTGGGATACCAAAACCATCAATCAA-3'
Protein context (NP_114141.2, residues 3806-3826): IAPGPTNMTV[Ile3816Lys]VNVQTTLACE

ClinVar aggregate classification (germline): Uncertain significance (1 of 4 stars; one submission).

gnomAD v4.1: 1 of 1,614,078 alleles (0.000062%); highest among the groups gnomAD compares: Non-Finnish European, 0.000085%; no homozygotes.

Submission:

Labcorp Genetics (formerly Invitae), Labcorp
Classification: Uncertain significance. Last evaluated: 2023-06-30. Review status: criteria provided, single submitter. Criteria: Invitae Variant Classification Sherloc (09022015). Collection method: clinical testing. Allele origin: germline.
Comment: ClinVar contains an entry for this variant (Variation ID: 1386558). This variant has not been reported in the literature in individuals affected with HMCN1-related conditions. This variant is not present in population databases (gnomAD no frequency). This sequence change replaces isoleucine, which is neutral and non-polar, with lysine, which is basic and polar, at codon 3816 of the HMCN1 protein (p.Ile3816Lys). In summary, the available evidence is currently insufficient to determine the role of this variant in disease. Therefore, it has been classified as a Variant of Uncertain Significance. An algorithm developed to predict the effect of missense changes on protein structure and function (PolyPhen-2) suggests that this variant is likely to be tolerated.